The following is an entry in ClinVar:

ClinVar aggregate classification (germline): Pathogenic (1 of 4 stars; one submission).

Submission:

Labcorp Genetics (formerly Invitae), Labcorp
Classification: Pathogenic. Last evaluated: 2023-01-27. Review status: criteria provided, single submitter. Criteria: Invitae Variant Classification Sherloc (09022015). Collection method: clinical testing. Allele origin: germline.
Comment: For these reasons, this variant has been classified as Pathogenic. This variant disrupts the p.Asp105 amino acid residue in SFTPC. Other variant(s) that disrupt this residue have been observed in individuals with SFTPC-related conditions (PMID: 31462320), which suggests that this may be a clinically significant amino acid residue. Algorithms developed to predict the effect of missense changes on protein structure and function (SIFT, PolyPhen-2, Align-GVGD) all suggest that this variant is likely to be disruptive. This missense change has been observed in individual(s) with clinical features of surfactant protein C deficiency (Invitae). In at least one individual the variant was observed to be de novo. This variant is not present in population databases (gnomAD no frequency). This sequence change replaces aspartic acid, which is acidic and polar, with tyrosine, which is neutral and polar, at codon 105 of the SFTPC protein (p.Asp105Tyr).

Literature cited by the submitters: PubMed 31462320.

NM_001317778.2(SFTPC):c.313G>T (p.Asp105Tyr)

Gene: SFTPC (surfactant protein C; plus strand). Cytogenetic location: 8p21.3.
Variant type: single nucleotide variant.
Coding change: c.313G>T on transcript NM_001317778.2 (MANE Select); coding-DNA position 313, G replaced by T.
Protein change: p.Asp105Tyr; replaces aspartic acid 105 with tyrosine.
Molecular consequence: missense variant.
Genome position (GRCh38, 1-based): chr8:22,163,191, G>T. VCF-style: chr8-22163191-G-T. GRCh37 (hg19) VCF-style: chr8-22020704-G-T.
Other names: c.154G>T, p.Asp52Tyr (NM_001317779.2, NM_001385660.1); c.313G>T, p.Asp105Tyr (NM_001317780.2, NM_001385653.1, NM_001385654.1 and 8 more transcripts); short protein forms D52Y, D105Y.
Identifiers: ClinVar variation 2735138 (VCV002735138.3), dbSNP rs2538943809, ClinGen allele CA370537497.
Genomic context (GRCh38, chr8:22,163,191, plus strand): 5'-AGTGAGCACCTGGTTACCACTGCCACCTTCTCCATCGGCTCCACTGGCCTCGTGGTGTAT[G>T]ACTACCAGCAGGTGGGTATGCCCAGACCTCCTGACCCTGGGACCAATGACAAGGCTCTGC-3'
Protein context (NP_001304707.1, residues 95-115): SIGSTGLVVY[Asp105Tyr]YQQLLIAYKP